The following is an entry in ClinVar:

ClinVar aggregate classification (germline): Uncertain significance (1 of 4 stars; one submission).

Conditions:
Sulfite oxidase deficiency due to molybdenum cofactor deficiency type C. Also called: Molybdenum cofactor deficiency, complementation group C; Molybdenum cofactor deficiency C. Identifiers: Orphanet 308400, Orphanet 833, MedGen C1854990, MONDO:0014212, OMIM 615501.

Allele frequency attached by ClinVar (database versions not stated): gnomAD exomes below 0.00001.
gnomAD v4.1: 2 of 1,609,920 alleles (0.00012%); highest among the groups gnomAD compares: East Asian, 0.0022%; no homozygotes.

Submission:

Labcorp Genetics (formerly Invitae), Labcorp
Classification: Uncertain significance for Sulfite oxidase deficiency due to molybdenum cofactor deficiency type C. Last evaluated: 2022-01-18. Review status: criteria provided, single submitter. Criteria: Invitae Variant Classification Sherloc (09022015). Collection method: clinical testing. Allele origin: germline.
Comment: In summary, the available evidence is currently insufficient to determine the role of this variant in disease. Therefore, it has been classified as a Variant of Uncertain Significance. Algorithms developed to predict the effect of missense changes on protein structure and function are either unavailable or do not agree on the potential impact of this missense change (SIFT: "Deleterious"; PolyPhen-2: "Probably Damaging"; Align-GVGD: "Class C0"). This variant has not been reported in the literature in individuals affected with GPHN-related conditions. This variant is not present in population databases (gnomAD no frequency). This sequence change replaces isoleucine, which is neutral and non-polar, with threonine, which is neutral and polar, at codon 490 of the GPHN protein (p.Ile490Thr).

NM_020806.5(GPHN):c.1469T>C (p.Ile490Thr)

Gene: GPHN (gephyrin; plus strand). Cytogenetic location: 14q23.3.
Variant type: single nucleotide variant.
Coding change: c.1469T>C on transcript NM_020806.5 (MANE Select); coding-DNA position 1469, T replaced by C.
Protein change: p.Ile490Thr; replaces isoleucine 490 with threonine.
Molecular consequence: missense variant.
Genome position (GRCh38, 1-based): chr14:67,111,916, T>C. VCF-style: chr14-67111916-T-C. GRCh37 (hg19) VCF-style: chr14-67578633-T-C.
Other names: c.1370T>C, p.Ile457Thr (NM_001024218.2); c.1529T>C, p.Ile510Thr (NM_001377514.1); c.1499T>C, p.Ile500Thr (NM_001377515.1); c.1490T>C, p.Ile497Thr (NM_001377516.1); c.1442T>C, p.Ile481Thr (NM_001377517.1); c.1427T>C, p.Ile476Thr (NM_001377518.1); c.1409T>C, p.Ile470Thr (NM_001377519.1); short protein forms I510T, I457T, I470T, I497T, I500T, I476T, I481T, I490T.
Identifiers: ClinVar variation 2065826 (VCV002065826.4), dbSNP rs2543395251, ClinGen allele CA390258357.